The following is an entry in ClinVar:

ClinVar aggregate classification (germline): Benign/Likely benign. Review status: criteria provided, multiple submitters, no conflicts (2 of 4 stars). 6 submissions from 6 submitters: Benign (4); Likely benign (1). 1 of the submissions does not count toward it. Last evaluated 2026-02-02.

Conditions:
Spinocerebellar ataxia type 5 (SCA5). Identifiers: Orphanet 98766, MedGen C0752123, MONDO:0010848, OMIM 600224.

Allele frequency attached by ClinVar (database versions not stated): 1000 Genomes Project 30x 0.04013; 1000 Genomes Project 0.04073; gnomAD 0.07790 and 0.08024; gnomAD exomes 0.08139 and 0.10254; ExAC 0.08176; TOPMed 0.08380; ESP Exome Variant Server 0.08653.

Submissions (6):

Labcorp Genetics (formerly Invitae), Labcorp
Classification: Benign. Last evaluated: 2026-02-02. Review status: criteria provided, single submitter. Criteria: Invitae Variant Classification Sherloc (09022015). Collection method: clinical testing. Allele origin: germline.

GeneDx
Classification: Benign. Last evaluated: 2021-05-05. Review status: criteria provided, single submitter. Criteria: GeneDx Variant Classification Process June 2021. Collection method: clinical testing. Allele origin: germline. Affected: yes.

Mayo Clinic Laboratories, Mayo Clinic
Classification: Benign. Last evaluated: 2017-08-24. Review status: criteria provided, single submitter. Criteria: ACMG Guidelines, 2015. Collection method: clinical testing. Allele origin: germline. Observed: 86 variant alleles.

Athena Diagnostics
Classification: Benign for Spinocerebellar ataxia type 5. Last evaluated: 2017-04-14. Review status: criteria provided, single submitter. Criteria: Athena Diagnostics Criteria. Collection method: clinical testing. Allele origin: germline.

Breakthrough Genomics
Classification: Likely benign. Review status: criteria provided, single submitter. Criteria: ACMG Guidelines, 2015. Collection method: not provided. Allele origin: germline. Inheritance: Autosomal recessive inheritance. Affected: yes.

Genetic Services Laboratory, University of Chicago
Classification: Likely benign for AllHighlyPenetrant. Review status: no assertion criteria provided. Collection method: clinical testing. Allele origin: germline. Inheritance: Autosomal dominant inheritance. Not counted in ClinVar's aggregate classification.
Comment: Likely benign based on allele frequency in 1000 Genomes Project or ESP global frequency and its presence in a patient with a rare or unrelated disease phenotype. NOT Sanger confirmed.

NM_006946.4(SPTBN2):c.585C>T (p.Asn195=)

Gene: SPTBN2 (spectrin beta, non-erythrocytic 2; minus strand). Cytogenetic location: 11q13.2.
Variant type: single nucleotide variant.
Coding change: c.585C>T on transcript NM_006946.4 (MANE Select); coding-DNA position 585, C replaced by T.
Protein change: p.Asn195=; no amino-acid change (asparagine 195 retained).
Molecular consequence: synonymous variant.
Genome position (GRCh38, 1-based): chr11:66,714,162, G>A on the plus strand (C>T on the coding strand, the complement: SPTBN2 is on the minus strand). VCF-style: chr11-66714162-G-A. GRCh37 (hg19) VCF-style: chr11-66481633-G-A.
Other names: p.Asn195=; c.585C>T (NM_006946.3).
Identifiers: ClinVar variation 130372 (VCV000130372.21), dbSNP rs34775878, ClinGen allele CA155293.